The following is an entry in ClinVar:

ClinVar aggregate classification (germline): Likely pathogenic (1 of 4 stars; one submission).

Conditions:
FG syndrome 1 (OKS). Also called: OPITZ-KAVEGGIA SYNDROME; KELLER SYNDROME; MENTAL RETARDATION, LARGE HEAD, IMPERFORATE ANUS, CONGENITAL HYPOTONIA, AND PARTIAL AGENESIS OF CORPUS CALLOSUM; FG Syndrome Type 1 (FGS1). Identifiers: Orphanet 93932, MedGen C5399762, MONDO:0010590, OMIM 305450.

Submission:

Institute of Human Genetics, University of Leipzig Medical Center
Classification: Likely pathogenic for FG syndrome 1. Last evaluated: 2023-07-06. Review status: criteria provided, single submitter. Criteria: ACMG Guidelines, 2015. Collection method: clinical testing. Allele origin: maternal. Inheritance: X-linked recessive inheritance. Affected: yes.
Comment: Criteria applied: PVS1,PM2_SUP

NM_005120.3(MED12):c.4863+1G>A

Gene: MED12 (mediator complex subunit 12; plus strand). Cytogenetic location: Xq13.1.
Variant type: single nucleotide variant.
Coding change: c.4863+1G>A on transcript NM_005120.3 (MANE Select); the canonical splice donor site of the intron after coding-DNA position 4863, G replaced by A.
Molecular consequence: splice donor variant.
Genome position (GRCh38, 1-based): chrX:71,134,849, G>A. VCF-style: chrX-71134849-G-A. GRCh37 (hg19) VCF-style: chrX-70354699-G-A.
Identifiers: ClinVar variation 2576549 (VCV002576549.3), dbSNP rs2147822607, ClinGen allele CA413532814.